The following is an entry in ClinVar:

ClinVar aggregate classification (germline): Pathogenic (1 of 4 stars; one submission).

Submission:

GeneDx
Classification: Pathogenic. Last evaluated: 2023-08-11. Review status: criteria provided, single submitter. Criteria: GeneDx Variant Classification Process June 2021. Collection method: clinical testing. Allele origin: germline. Affected: yes.
Comment: Identified in an individual with schizophrenia, however this individual harbored a variant in another gene (Frommer et al, 2014); Nonsense variant predicted to result in protein truncation or nonsense mediated decay in a gene for which loss of function is a known mechanism of disease; Not observed at significant frequency in large population cohorts (gnomAD); This variant is associated with the following publications: (PMID: 34707297, 24463507, 28191890, 36863698)

NM_003024.3(ITSN1):c.1102C>T (p.Arg368Ter)

Gene: ITSN1 (intersectin 1; plus strand). Cytogenetic location: 21q22.11.
Variant type: single nucleotide variant.
Coding change: c.1102C>T on transcript NM_003024.3 (MANE Select); coding-DNA position 1102, C replaced by T.
Protein change: p.Arg368Ter; replaces arginine 368 with a stop codon.
Molecular consequence: nonsense.
Genome position (GRCh38, 1-based): chr21:33,772,120, C>T. VCF-style: chr21-33772120-C-T. GRCh37 (hg19) VCF-style: chr21-35144424-C-T.
Other names: c.1102C>T, p.Arg368Ter (NM_001001132.2, NM_001331008.2, NM_001331009.2 and 2 more transcripts); c.991C>T, p.Arg331Ter (NM_001331012.2); short protein forms R331*, R368*.
Identifiers: ClinVar variation 3340324 (VCV003340324.1).